The following is an entry in ClinVar:

NM_000222.3(KIT):c.960C>T (p.Asn320=)

Gene: KIT (KIT proto-oncogene, receptor tyrosine kinase; plus strand). Cytogenetic location: 4q12.
Variant type: single nucleotide variant.
Coding change: c.960C>T on transcript NM_000222.3 (MANE Select); coding-DNA position 960, C replaced by T.
Protein change: p.Asn320=; no amino-acid change (asparagine 320 retained).
Molecular consequence: synonymous variant.
Genome position (GRCh38, 1-based): chr4:54,707,132, C>T. VCF-style: chr4-54707132-C-T. GRCh37 (hg19) VCF-style: chr4-55573298-C-T.
Other names: c.960C>T, p.Asn320= (NM_001093772.2, NM_001385285.1, NM_001385286.1); c.963C>T, p.Asn321= (NM_001385284.1, NM_001385288.1, NM_001385290.1 and 1 more transcripts).
Identifiers: ClinVar variation 2587860 (VCV002587860.3), dbSNP rs2475478500, ClinGen allele CA439288583.

ClinVar aggregate classification (germline): Benign/Likely benign. Review status: criteria provided, multiple submitters, no conflicts (2 of 4 stars). 2 submissions from 2 submitters: Benign (1); Likely benign (1). Last evaluated 2026-06-03.

Conditions:
Hereditary cancer-predisposing syndrome. Also called: Hereditary Cancer Syndrome; Hereditary neoplastic syndrome; Neoplastic Syndromes, Hereditary; Tumor predisposition. Identifiers: Orphanet 140162, MedGen C0027672, MeSH D009386, MONDO:0015356.
Gastrointestinal stromal tumor. Also called: Gastrointestinal stromal tumor, somatic; Gastrointestinal stroma tumor. Identifiers: Orphanet 44890, MedGen C0238198, MeSH D046152, MONDO:0011719, OMIM 606764, HP:0100723.

Submissions (2):

Myriad Genetics, Inc.
Classification: Benign for Gastrointestinal stromal tumor. Last evaluated: 2026-06-03. Review status: criteria provided, single submitter. Criteria: Myriad Autosomal Dominant, Autosomal Recessive and X-Linked Classification Criteria (2023). Collection method: clinical testing. Allele origin: unknown.
Comment: This variant is considered benign. This variant is a silent/synonymous amino acid change and it is not expected to impact splicing.

Ambry Genetics
Classification: Likely benign for Hereditary cancer-predisposing syndrome. Last evaluated: 2023-07-13. Review status: criteria provided, single submitter. Criteria: Ambry Variant Classification Scheme 2023. Collection method: clinical testing. Allele origin: germline.